The following is an entry in ClinVar:

NM_014687.4(RUBCN):c.824C>T (p.Ala275Val)

Gene: RUBCN (rubicon autophagy regulator; minus strand). Cytogenetic location: 3q29.
Variant type: single nucleotide variant.
Coding change: c.824C>T on transcript NM_014687.4 (MANE Select); coding-DNA position 824, C replaced by T.
Protein change: p.Ala275Val; replaces alanine 275 with valine.
Molecular consequence: missense variant.
Genome position (GRCh38, 1-based): chr3:197,701,050, G>A on the plus strand (C>T on the coding strand, the complement: RUBCN is on the minus strand). VCF-style: chr3-197701050-G-A. GRCh37 (hg19) VCF-style: chr3-197427921-G-A.
Other names: p.Ala215Val; c.644C>T (NM_001145642.4); c.644C>T, p.Ala215Val (NM_001145642.5); c.824C>T, p.Ala275Val (NM_001346873.2); short protein forms A275V, A215V.
Identifiers: ClinVar variation 720048 (VCV000720048.6), dbSNP rs150769724, ClinGen allele CA2787112.

ClinVar aggregate classification (germline): Benign/Likely benign. Review status: criteria provided, multiple submitters, no conflicts (2 of 4 stars). 3 submissions from 3 submitters: Benign (2); Likely benign (1). Last evaluated 2025-06-04.

Allele frequency attached by ClinVar (database versions not stated): gnomAD exomes 0.00045 and 0.00111; ExAC 0.00151; ESP Exome Variant Server 0.00473; gnomAD 0.00478 and 0.00496; TOPMed 0.00533; 1000 Genomes Project 30x 0.00562; 1000 Genomes Project 0.00579.
gnomAD v4.1: 1,403 of 1,613,626 alleles (0.087%); highest among the groups gnomAD compares: African/African-American, 1.6%; 12 homozygotes.

Submissions (3):

Mayo Clinic Laboratories, Mayo Clinic
Classification: Benign. Last evaluated: 2025-06-04. Review status: criteria provided, single submitter. Criteria: ACMG Guidelines, 2015. Collection method: clinical testing. Allele origin: germline. Observed: 1 variant allele.
Comment: BA1, BP4_moderate

Blueprint Genetics
Classification: Likely benign. Last evaluated: 2024-10-16. Review status: criteria provided, single submitter. Criteria: ACMG Guidelines, 2015. Collection method: clinical testing. Allele origin: germline.

Labcorp Genetics (formerly Invitae), Labcorp
Classification: Benign. Last evaluated: 2019-12-31. Review status: criteria provided, single submitter. Criteria: Invitae Variant Classification Sherloc (09022015). Collection method: clinical testing. Allele origin: germline.